The following is an entry in ClinVar:

NM_000368.5(TSC1):c.3411C>T (p.Gly1137=)

Gene: TSC1 (TSC complex subunit 1; minus strand). Cytogenetic location: 9q34.13.
Variant type: single nucleotide variant.
Coding change: c.3411C>T on transcript NM_000368.5 (MANE Select); coding-DNA position 3411, C replaced by T.
Protein change: p.Gly1137=; no amino-acid change (glycine 1137 retained).
Molecular consequence: synonymous variant. On other transcripts: non-coding transcript variant (5).
Genome position (GRCh38, 1-based): chr9:132,896,319, G>A on the plus strand (C>T on the coding strand, the complement: TSC1 is on the minus strand). VCF-style: chr9-132896319-G-A. GRCh37 (hg19) VCF-style: chr9-135771706-G-A.
Other names: c.3045C>T, p.Gly1015= (NM_001406621.1, NM_001406622.1, NM_001406623.1 and 1 more transcripts); c.3006C>T, p.Gly1002= (NM_001406624.1); c.3003C>T, p.Gly1001= (NM_001406625.1); c.2460C>T, p.Gly820= (NM_001406626.1); c.2457C>T, p.Gly819= (NM_001406627.1, NM_001406628.1); c.2358C>T, p.Gly786= (NM_001406629.1, NM_001406630.1); c.3048C>T, p.Gly1016= (NM_001406615.1, NM_001406616.1, NM_001406617.1 and 4 more transcripts); c.3408C>T, p.Gly1136= (NM_001162426.2, NM_001406597.1, NM_001406598.1 and 2 more transcripts); and 8 more.
Identifiers: ClinVar variation 3329435 (VCV003329435.2).

ClinVar aggregate classification (germline): Benign/Likely benign. Review status: criteria provided, multiple submitters, no conflicts (2 of 4 stars). 2 submissions from 2 submitters: Benign (1); Likely benign (1). Last evaluated 2025-04-30.

Conditions:
Tuberous sclerosis 1 (TSC1). Identifiers: Orphanet 805, MedGen C1854465, MONDO:0008612, OMIM 191100.
Hereditary cancer-predisposing syndrome. Also called: Hereditary Cancer Syndrome; Tumor predisposition; Neoplastic Syndromes, Hereditary; Hereditary neoplastic syndrome. Identifiers: Orphanet 140162, MedGen C0027672, MeSH D009386, MONDO:0015356.

gnomAD v4.1: 1 of 1,614,060 alleles (0.000062%); highest among the groups gnomAD compares: Non-Finnish European, 0.000085%; no homozygotes.

Submissions (2):

Myriad Genetics, Inc.
Classification: Benign for Tuberous sclerosis 1. Last evaluated: 2025-04-30. Review status: criteria provided, single submitter. Criteria: Myriad Autosomal Dominant, Autosomal Recessive and X-Linked Classification Criteria (2023). Collection method: clinical testing. Allele origin: unknown.
Comment: This variant is considered benign. This variant is a silent/synonymous amino acid change and it is not expected to impact splicing.

Ambry Genetics
Classification: Likely benign for Hereditary cancer-predisposing syndrome. Last evaluated: 2024-05-15. Review status: criteria provided, single submitter. Criteria: Ambry Variant Classification Scheme 2023. Collection method: clinical testing. Allele origin: germline.